The following is an entry in ClinVar:

NM_000038.6(APC):c.-19+7106G>A

Gene: APC (APC regulator of WNT signaling pathway; plus strand). Cytogenetic location: 5q22.2.
Variant type: single nucleotide variant.
Coding change: c.-19+7106G>A on transcript NM_000038.6 (MANE Select); 7106 bases into the intron after 19 bases upstream of the start codon, G replaced by A.
Molecular consequence: intron variant.
Genome position (GRCh38, 1-based): chr5:112,745,031, G>A. VCF-style: chr5-112745031-G-A. GRCh37 (hg19) VCF-style: chr5-112080728-G-A.
Other names: c.-18-9842G>A (NM_001354895.2); c.166-21295G>A (NM_001354897.2, NM_001354902.2, NM_001127511.3); c.-19+6571G>A (NM_001127510.3); c.60+6571G>A (NM_001354898.2, NM_001354904.2); c.-1054+7106G>A (NM_001354906.2); c.-19+7106G>A (NM_001354896.2, NM_001354903.2, NM_001354899.2); c.-43+7106G>A (NM_001354900.2, NM_001354901.2, NM_001354905.2).
Identifiers: ClinVar variation 82770 (VCV000082770.2), dbSNP rs464002, ClinGen allele CA006971.

ClinVar aggregate classification (germline): other (0 of 4 stars; one submission).

Conditions:
Familial colorectal cancer. Identifiers: MedGen CN280943, MONDO:0023113. Disease mechanism: loss of function.

Allele frequency attached by ClinVar (database versions not stated): 1000 Genomes Project 30x 0.21190; 1000 Genomes Project 0.21346; TOPMed 0.25919.
gnomAD v4.1: 43,145 of 151,960 alleles (28%); highest among the groups gnomAD compares: Non-Finnish European, 37%; 7,283 homozygotes.

Submission:

Systems Biology Platform Zhejiang California International NanoSystems Institute
Classification: other for Familial colorectal cancer. Review status: no assertion criteria provided. Collection method: not provided. Allele origin: unknown.
ClinVar note: Converted during submission from cancer to other.